The following is an entry in ClinVar:

NM_014159.7(SETD2):c.2687C>G (p.Thr896Ser)

Gene: SETD2 (SET domain containing 2, histone lysine methyltransferase; minus strand). Cytogenetic location: 3p21.31.
Variant type: single nucleotide variant.
Coding change: c.2687C>G on transcript NM_014159.7 (MANE Select); coding-DNA position 2687, C replaced by G.
Protein change: p.Thr896Ser; replaces threonine 896 with serine.
Molecular consequence: missense variant. On other transcripts: non-coding transcript variant (1).
Genome position (GRCh38, 1-based): chr3:47,121,949, G>C on the plus strand (C>G on the coding strand, the complement: SETD2 is on the minus strand). VCF-style: chr3-47121949-G-C. GRCh37 (hg19) VCF-style: chr3-47163439-G-C.
Other names: c.2555C>G, p.Thr852Ser (NM_001349370.3); short protein forms T852S, T896S.
Identifiers: ClinVar variation 4740942 (VCV004740942.2).

ClinVar aggregate classification (germline): Uncertain significance. Review status: criteria provided, multiple submitters, no conflicts (2 of 4 stars). 2 submissions from 2 submitters: Uncertain significance (2). Last evaluated 2025-12-15.

Conditions:
Luscan-Lumish syndrome. Identifiers: Orphanet 597738, MedGen C4085873, MONDO:0014791, OMIM 616831.
Inborn genetic diseases. Identifiers: MedGen C0950123, MeSH D030342.

gnomAD v4.1: 5 of 1,613,862 alleles (0.00031%); highest among the groups gnomAD compares: African/African-American, 0.0053%; no homozygotes.

Submissions (2):

Ambry Genetics
Classification: Uncertain significance for Inborn genetic diseases. Last evaluated: 2025-12-15. Review status: criteria provided, single submitter. Criteria: Ambry Variant Classification Scheme 2023. Collection method: clinical testing. Allele origin: germline.

Labcorp Genetics (formerly Invitae), Labcorp
Classification: Uncertain significance for Luscan-Lumish syndrome. Last evaluated: 2025-05-25. Review status: criteria provided, single submitter. Criteria: Invitae Variant Classification Sherloc (09022015). Collection method: clinical testing. Allele origin: germline.
Comment: This sequence change replaces threonine, which is neutral and polar, with serine, which is neutral and polar, at codon 896 of the SETD2 protein (p.Thr896Ser). This variant is present in population databases (no rsID available, gnomAD 0.01%). This variant has not been reported in the literature in individuals affected with SETD2-related conditions. Invitae Evidence Modeling of protein sequence and biophysical properties (such as structural, functional, and spatial information, amino acid conservation, physicochemical variation, residue mobility, and thermodynamic stability) indicates that this missense variant is not expected to disrupt SETD2 protein function with a negative predictive value of 80%. In summary, the available evidence is currently insufficient to determine the role of this variant in disease. Therefore, it has been classified as a Variant of Uncertain Significance.